The following is an entry in ClinVar:

ClinVar aggregate classification (germline): Uncertain significance (1 of 4 stars; one submission).

Conditions:
Sandhoff disease. Also called: HEXOSAMINIDASES A AND B DEFICIENCY; GM2-GANGLIOSIDOSIS, TYPE II; Beta-hexosaminidase-beta-subunit deficiency; GM2 gangliosidosis, type 2; Total hexosaminidase deficiency; Sandhoff-Jatzkewitz-Pilz disease. Identifiers: Orphanet 796, MedGen C0036161, MONDO:0010006, OMIM 268800.

Submission:

Myriad Genetics, Inc.
Classification: Uncertain significance for Sandhoff disease. Last evaluated: 2026-03-04. Review status: criteria provided, single submitter. Criteria: Myriad Autosomal Dominant, Autosomal Recessive and X-Linked Classification Criteria (2023). Collection method: clinical testing. Allele origin: unknown.
Comment: NM_000521.3(HEXB):c.1661_1668del8(E554Vfs*23) is a frameshift variant classified as a variant of uncertain significance in the context of Sandhoff disease. E554Vfs*23 has not been observed in cases with relevant disease. Relevant functional assessments of this variant are not available in the literature. E554Vfs*23 has not been observed in referenced population frequency databases. In summary, there is insufficient evidence to classify NM_000521.3(HEXB):c.1661_1668del8(E554Vfs*23) as pathogenic or benign. Please note: this variant was assessed in the context of healthy population screening.

NM_000521.4(HEXB):c.1661_1668del (p.Glu554fs)

Gene: HEXB (hexosaminidase subunit beta; plus strand). Cytogenetic location: 5q13.3.
Variant type: Deletion.
Coding change: c.1661_1668del on transcript NM_000521.4 (MANE Select); coding-DNA positions 1661 to 1668, 8 bases deleted (AGAACATG; older notation c.1661_1668delAGAACATG).
Protein change: p.Glu554fs; shifts the reading frame from glutamic acid 554.
Molecular consequence: frameshift variant.
Genome position (GRCh38, 1-based): chr5:74,721,165-74,721,172, AGAACATG deleted; deleting any 8 consecutive bases within chr5:74,721,161-74,721,172 gives the same sequence; the c. name uses the placement nearest the transcript's 3' end. VCF-style (leftmost placement, unchanged base first): chr5-74721160-CCATGAGAA-C. GRCh37 (hg19) VCF-style: chr5-74016985-CCATGAGAA-C.
Other names: c.986_993del, p.Glu329fs (NM_001292004.2); short protein forms E329fs, E554fs.
Identifiers: ClinVar variation 5004511 (VCV005004511.1).
Genomic context (GRCh38, chr5:74,721,160, plus strand): 5'-TATTCATGTTATCTACAGACGTGGAATAGCTGCACAACCTCTTTATGCTGGATATTGTAA[CCATGAGAA>C]CATGTAAAAAATGGAGGGGAAAAAGGCCACAGCAATCTGTACTACAATCAACTTTATTTT-3'